The following is an entry in ClinVar:

ClinVar aggregate classification (germline): Uncertain significance (1 of 4 stars; one submission).

Submission:

Labcorp Genetics (formerly Invitae), Labcorp
Classification: Uncertain significance. Last evaluated: 2022-06-16. Review status: criteria provided, single submitter. Criteria: Invitae Variant Classification Sherloc (09022015). Collection method: clinical testing. Allele origin: germline.
Comment: This sequence change replaces glutamine, which is neutral and polar, with histidine, which is basic and polar, at codon 334 of the CAD protein (p.Gln334His). This variant is not present in population databases (gnomAD no frequency). This variant has not been reported in the literature in individuals affected with CAD-related conditions. Algorithms developed to predict the effect of missense changes on protein structure and function are either unavailable or do not agree on the potential impact of this missense change (SIFT: "Deleterious"; PolyPhen-2: "Probably Damaging"; Align-GVGD: "Class C0"). Algorithms developed to predict the effect of sequence changes on RNA splicing suggest that this variant may create or strengthen a splice site. In summary, the available evidence is currently insufficient to determine the role of this variant in disease. Therefore, it has been classified as a Variant of Uncertain Significance.

NM_004341.5(CAD):c.1002G>T (p.Gln334His)

Gene: CAD (carbamoyl-phosphate synthetase 2, aspartate transcarbamylase, and dihydroorotase; plus strand). Cytogenetic location: 2p23.3.
Variant type: single nucleotide variant.
Coding change: c.1002G>T on transcript NM_004341.5 (MANE Select); coding-DNA position 1002, G replaced by T.
Protein change: p.Gln334His; replaces glutamine 334 with histidine.
Molecular consequence: missense variant.
Genome position (GRCh38, 1-based): chr2:27,223,923, G>T. VCF-style: chr2-27223923-G-T. GRCh37 (hg19) VCF-style: chr2-27446791-G-T.
Other names: c.1002G>T, p.Gln334His (NM_001306079.2); short protein forms Q334H.
Identifiers: ClinVar variation 2005286 (VCV002005286.1), dbSNP rs2465294424, ClinGen allele CA346202545.
Genomic context (GRCh38, chr2:27,223,923, plus strand): 5'-GCCAGTGTCATGCCAGGGACCATGATGGTTTTCATGATGCAATCTCTTCAATAGTGTCCA[G>T]TTTCACCCAGAGCACCAAGCTGGCCCTTCAGATATGGAACTGCTTTTCGATATCTTTCTG-3'
Protein context (NP_004332.2, residues 324-344): VHNSLPFFSV[Gln334His]FHPEHQAGPS